The following is an entry in ClinVar:

ClinVar aggregate classification (germline): Conflicting classifications of pathogenicity. Review status: criteria provided, conflicting classifications (1 of 4 stars). 18 submissions from 14 submitters: Uncertain significance (5); Likely benign (8). 5 of the submissions do not count toward it. Last evaluated 2026-05-08.

Conditions:
TTN-related disorder. Also called: TTN-related disorders; TTN-related condition; TTN-related disease.
Autosomal recessive limb-girdle muscular dystrophy type 2J (LGMDR10). Also called: Limb-girdle muscular dystrophy, type 2J; MUSCULAR DYSTROPHY, LIMB-GIRDLE, AUTOSOMAL RECESSIVE 10. Identifiers: Orphanet 140922, MedGen C1837342, MONDO:0012127, OMIM 608807.
Dilated cardiomyopathy 1G (CMD1G). Identifiers: Orphanet 154, MedGen C1858763, MONDO:0011400, OMIM 604145.
Cardiovascular phenotype. Identifiers: MedGen CN230736.
Tibial muscular dystrophy (TMD). Also called: UDD MYOPATHY; Tibial muscular dystrophy, tardive; Udd Distal Myopathy – Tibial Muscular Dystrophy. Identifiers: Orphanet 609, MedGen C1838244, MONDO:0010870, OMIM 600334.
Early-onset myopathy with fatal cardiomyopathy (CMYO5). Also called: Salih Myopathy; CONGENITAL MYOPATHY 5 WITH CARDIOMYOPATHY. Identifiers: Orphanet 289377, MedGen C2673677, MONDO:0012714, OMIM 611705. Disease mechanism: loss of function.
Myopathy, myofibrillar, 9, with early respiratory failure (MFM9). Also called: Hereditary myopathy with early respiratory failure; MYOPATHY, PROXIMAL, WITH EARLY RESPIRATORY MUSCLE INVOLVEMENT; EDSTROM MYOPATHY; Myopathy, distal, with early respiratory failure, autosomal dominant. Identifiers: Orphanet 178464, Orphanet 34521, MedGen C1863599, MONDO:0011362, OMIM 603689.

Allele frequency attached by ClinVar (database versions not stated): ExAC 0.00001; gnomAD exomes 0.00004 and 0.00007; TOPMed 0.00008; gnomAD 0.00009.
gnomAD v4.1: 114 of 1,612,586 alleles (0.0071%); highest among the groups gnomAD compares: Non-Finnish European, 0.0087%; no homozygotes.

Submissions (18):

PreventionGenetics, part of Exact Sciences
Classification: Likely benign for TTN-related condition. Last evaluated: 2026-05-08. Review status: criteria provided, single submitter. Criteria: ACMG Guidelines, 2015. Collection method: clinical testing. Allele origin: germline.
Comment: This variant is classified as likely benign based on ACMG/AMP sequence variant interpretation guidelines (Richards et al. 2015 PMID: 25741868, with internal and published modifications).

Labcorp Genetics (formerly Invitae), Labcorp
Classification: Likely benign for Dilated cardiomyopathy 1G; Autosomal recessive limb-girdle muscular dystrophy type 2J. Last evaluated: 2025-12-20. Review status: criteria provided, single submitter. Criteria: Invitae Variant Classification Sherloc (09022015). Collection method: clinical testing. Allele origin: germline.

Molecular Diagnostic Laboratory for Inherited Cardiovascular Disease, Montreal Heart Institute
Classification: Likely benign. Last evaluated: 2025-04-09. Review status: criteria provided, single submitter. Criteria: ACMG Guidelines, 2015. Collection method: clinical testing. Allele origin: germline. Affected: no.

Women's Health and Genetics/Laboratory Corporation of America, LabCorp
Classification: Likely benign. Last evaluated: 2025-01-11. Review status: criteria provided, single submitter. Criteria: LabCorp Variant Classification Summary - May 2015. Collection method: clinical testing. Allele origin: germline.

Blueprint Genetics
Classification: Likely benign. Last evaluated: 2024-05-22. Review status: criteria provided, single submitter. Criteria: ACMG Guidelines, 2015. Collection method: clinical testing. Allele origin: germline.

Athena Diagnostics
Classification: Likely benign. Last evaluated: 2019-10-28. Review status: criteria provided, single submitter. Criteria: Athena Diagnostics Criteria. Collection method: clinical testing. Allele origin: unknown.

GeneDx
Classification: Likely benign. Last evaluated: 2019-07-22. Review status: criteria provided, single submitter. Criteria: GeneDx Variant Classification Process June 2021. Collection method: clinical testing. Allele origin: germline. Affected: yes.

Illumina Laboratory Services, Illumina
Classification: Uncertain significance for Tibial muscular dystrophy. Last evaluated: 2018-01-13. Review status: criteria provided, single submitter. Criteria: ICSL Variant Classification Criteria 13 December 2019. Collection method: clinical testing. Allele origin: germline.

Illumina Laboratory Services, Illumina
Classification: Uncertain significance for Early-onset myopathy with fatal cardiomyopathy. Last evaluated: 2018-01-13. Review status: criteria provided, single submitter. Criteria: ICSL Variant Classification Criteria 13 December 2019. Collection method: clinical testing. Allele origin: germline.

Illumina Laboratory Services, Illumina
Classification: Uncertain significance for Autosomal recessive limb-girdle muscular dystrophy type 2J. Last evaluated: 2018-01-13. Review status: criteria provided, single submitter. Criteria: ICSL Variant Classification Criteria 13 December 2019. Collection method: clinical testing. Allele origin: germline.

Illumina Laboratory Services, Illumina
Classification: Uncertain significance for Myopathy, myofibrillar, 9, with early respiratory failure. Last evaluated: 2018-01-13. Review status: criteria provided, single submitter. Criteria: ICSL Variant Classification Criteria 13 December 2019. Collection method: clinical testing. Allele origin: germline.

Illumina Laboratory Services, Illumina
Classification: Uncertain significance for Dilated cardiomyopathy 1G. Last evaluated: 2018-01-13. Review status: criteria provided, single submitter. Criteria: ICSL Variant Classification Criteria 13 December 2019. Collection method: clinical testing. Allele origin: germline.

Ambry Genetics
Classification: Likely benign for Cardiovascular phenotype. Last evaluated: 2017-02-17. Review status: criteria provided, single submitter. Criteria: Ambry Variant Classification Scheme 2023. Collection method: clinical testing. Allele origin: germline.

Clinical Genetics DNA and cytogenetics Diagnostics Lab, Erasmus MC, Erasmus Medical Center
Classification: Likely benign. Review status: no assertion criteria provided. Collection method: clinical testing. Allele origin: germline. Affected: yes. Study: VKGL Data-share Consensus. Not counted in ClinVar's aggregate classification.

Clinical Genetics, Academic Medical Center
Classification: Benign. Review status: no assertion criteria provided. Collection method: clinical testing. Allele origin: germline. Affected: yes. Study: VKGL Data-share Consensus. Not counted in ClinVar's aggregate classification.

Diagnostic Laboratory, Department of Genetics, University Medical Center Groningen
Classification: Likely benign. Review status: no assertion criteria provided. Collection method: clinical testing. Allele origin: germline. Affected: yes. Study: VKGL Data-share Consensus. Not counted in ClinVar's aggregate classification.

Genome Diagnostics Laboratory, University Medical Center Utrecht
Classification: Likely benign. Review status: no assertion criteria provided. Collection method: clinical testing. Allele origin: germline. Affected: yes. Study: VKGL Data-share Consensus. Not counted in ClinVar's aggregate classification.

Joint Genome Diagnostic Labs from Nijmegen and Maastricht, Radboudumc and MUMC+
Classification: Likely benign. Review status: no assertion criteria provided. Collection method: clinical testing. Allele origin: germline. Affected: yes. Study: VKGL Data-share Consensus. Not counted in ClinVar's aggregate classification.

NM_001267550.2(TTN):c.47133A>G (p.Ala15711=)

Genes: TTN (titin; minus strand), TTN-AS1 (TTN antisense RNA 1; plus strand). Cytogenetic location: 2q31.2.
Variant type: single nucleotide variant.
Coding change: c.47133A>G on transcript NM_001267550.2 (MANE Select); coding-DNA position 47133, A replaced by G.
Protein change: p.Ala15711=; no amino-acid change (alanine 15711 retained).
Molecular consequence: synonymous variant.
Genome position (GRCh38, 1-based): chr2:178,618,325, T>C on the plus strand (A>G on the coding strand, the complement: TTN is on the minus strand). VCF-style: chr2-178618325-T-C. GRCh37 (hg19) VCF-style: chr2-179483052-T-C.
Other names: c.42210A>G, p.Ala14070= (NM_001256850.1); c.19938A>G, p.Ala6646= (NM_003319.4); c.39429A>G, p.Ala13143= (NM_133378.4); c.20313A>G, p.Ala6771= (NM_133432.3); c.20514A>G, p.Ala6838= (NM_133437.4).
Identifiers: ClinVar variation 379749 (VCV000379749.33), dbSNP rs573218266, ClinGen allele CA1995117.
Genomic context (GRCh38, chr2:178,618,325, plus strand): 5'-ACGGAATAGGTACTCAACTCCTCCTTTCTGTAGACCAGTGACAGTAAACTCACAACTCTC[T>C]GCACGGTCTGTGGCCAGAACCCAGGTCTTTCTCTTAATGTCACGTCTTTCAACAACGTAA-3'
Protein context (NP_001254479.2, residues 15701-15721): RKTWVLATDR[Ala15711=]ESCEFTVTGL